The following is an entry in ClinVar:

ClinVar aggregate classification (germline): Uncertain significance. Review status: criteria provided, multiple submitters, no conflicts (2 of 4 stars). 2 submissions from 2 submitters: Uncertain significance (2). Last evaluated 2025-05-18.

Allele frequency attached by ClinVar (database versions not stated): ExAC 0.00001; gnomAD 0.00002; TOPMed 0.00003; ESP Exome Variant Server 0.00008.
gnomAD v4.1: 16 of 1,612,820 alleles (0.00099%); highest among the groups gnomAD compares: East Asian, 0.0045%; no homozygotes.

Submissions (2):

Labcorp Genetics (formerly Invitae), Labcorp
Classification: Uncertain significance. Last evaluated: 2025-05-18. Review status: criteria provided, single submitter. Criteria: Invitae Variant Classification Sherloc (09022015). Collection method: clinical testing. Allele origin: germline.
Comment: This sequence change replaces threonine, which is neutral and polar, with methionine, which is neutral and non-polar, at codon 683 of the COL7A1 protein (p.Thr683Met). This variant is present in population databases (rs201852525, gnomAD 0.006%). This variant has not been reported in the literature in individuals affected with COL7A1-related conditions. ClinVar contains an entry for this variant (Variation ID: 1914567). Experimental studies and prediction algorithms are not available or were not evaluated, and the functional significance of this variant is currently unknown. In summary, the available evidence is currently insufficient to determine the role of this variant in disease. Therefore, it has been classified as a Variant of Uncertain Significance.

Women's Health and Genetics/Laboratory Corporation of America, LabCorp
Classification: Uncertain significance. Last evaluated: 2024-10-17. Review status: criteria provided, single submitter. Criteria: LabCorp Variant Classification Summary - May 2015. Collection method: clinical testing. Allele origin: germline.
Comment: Variant summary: COL7A1 c.2048C>T (p.Thr683Met) results in a non-conservative amino acid change in the encoded protein sequence. Four of five in-silico tools predict a damaging effect of the variant on protein function. Consensus agreement among computation tools predict no significant impact on normal splicing. However, these predictions have yet to be confirmed by functional studies. The variant allele was found at a frequency of 2e-05 in 247144 control chromosomes. The available data on variant occurrences in the general population are insufficient to allow any conclusion about variant significance. To our knowledge, no occurrence of c.2048C>T in individuals affected with Dystrophic Epidermolysis Bullosa and no experimental evidence demonstrating its impact on protein function have been reported. ClinVar contains an entry for this variant (Variation ID: 1914567). Based on the evidence outlined above, the variant was classified as uncertain significance.

NM_000094.4(COL7A1):c.2048C>T (p.Thr683Met)

Gene: COL7A1 (collagen type VII alpha 1 chain; minus strand). Cytogenetic location: 3p21.31.
Variant type: single nucleotide variant.
Coding change: c.2048C>T on transcript NM_000094.4 (MANE Select); coding-DNA position 2048, C replaced by T.
Protein change: p.Thr683Met; replaces threonine 683 with methionine.
Molecular consequence: missense variant.
Genome position (GRCh38, 1-based): chr3:48,590,215, G>A on the plus strand (C>T on the coding strand, the complement: COL7A1 is on the minus strand). VCF-style: chr3-48590215-G-A. GRCh37 (hg19) VCF-style: chr3-48627648-G-A.
Other names: short protein forms T683M.
Identifiers: ClinVar variation 1914567 (VCV001914567.6), dbSNP rs201852525, ClinGen allele CA2381028.